The following is an entry in ClinVar:

ClinVar aggregate classification (germline): Pathogenic. Review status: criteria provided, multiple submitters, no conflicts (2 of 4 stars). 2 submissions from 2 submitters: Pathogenic (2). Last evaluated 2025-12-08.

Conditions:
Familial hemophagocytic lymphohistiocytosis 2 (FHL2). Also called: PRF1-Related Familial Hemophagocytic Lymphohistiocytosis (PRF1-fHLH). Identifiers: Orphanet 540, MedGen C1863727, MONDO:0011337, OMIM 603553.

Submissions (2):

Labcorp Genetics (formerly Invitae), Labcorp
Classification: Pathogenic for Familial hemophagocytic lymphohistiocytosis 2. Last evaluated: 2025-12-08. Review status: criteria provided, single submitter. Criteria: Invitae Variant Classification Sherloc (09022015). Collection method: clinical testing. Allele origin: germline.
Comment: This sequence change creates a premature translational stop signal (p.Asp128Thrfs*8) in the PRF1 gene. It is expected to result in an absent or disrupted protein product. Loss-of-function variants in PRF1 are known to be pathogenic (PMID: 1156555, 16860143). This variant is not present in population databases (gnomAD no frequency). This variant has not been reported in the literature in individuals affected with PRF1-related conditions. For these reasons, this variant has been classified as Pathogenic.

Myriad Genetics, Inc.
Classification: Pathogenic for Familial hemophagocytic lymphohistiocytosis 2. Last evaluated: 2025-09-23. Review status: criteria provided, single submitter. Criteria: Myriad Autosomal Dominant, Autosomal Recessive and X-Linked Classification Criteria (2023). Collection method: clinical testing. Allele origin: unknown.
Comment: NM_001083116.1(PRF1):c.382delG(D128Tfs*8) is a frameshift variant classified as pathogenic in the context of familial hemophagocytic lymphohistiocytosis, PRF1-related. D128Tfs*8 has not been observed in cases with relevant disease. Relevant functional assessments of this variant are not available in the literature. D128Tfs*8 has not been observed in referenced population frequency databases. In summary, NM_001083116.1(PRF1):c.382delG(D128Tfs*8) is a frameshift variant in a gene where loss of function is a known mechanism of disease and is predicted to disrupt protein function. Please note: this variant was assessed in the context of healthy population screening.

Literature cited by the submitters: PubMed 1156555 (cited by Labcorp Genetics (formerly Invitae), Labcorp); PubMed 16860143 (cited by Labcorp Genetics (formerly Invitae), Labcorp).

NM_001083116.3(PRF1):c.382del (p.Asp128fs)

Gene: PRF1 (perforin 1; minus strand). Cytogenetic location: 10q22.1.
Variant type: Deletion.
Coding change: c.382del on transcript NM_001083116.3 (MANE Select); coding-DNA position 382, one base deleted (G; older notation c.382delG).
Protein change: p.Asp128fs; shifts the reading frame from aspartic acid 128.
Molecular consequence: frameshift variant.
Genome position (GRCh38, 1-based): chr10:70,600,521, C deleted on the plus strand (G on the coding strand, the reverse complement: PRF1 is on the minus strand). VCF-style (leftmost placement, unchanged base first): chr10-70600520-TC-T. GRCh37 (hg19) VCF-style: chr10-72360276-TC-T.
Other names: c.382del, p.Asp128fs (NM_005041.6); short protein forms D128fs.
Identifiers: ClinVar variation 4732718 (VCV004732718.2).